The following is an entry in ClinVar:

ClinVar aggregate classification (germline): Uncertain significance (1 of 4 stars; one submission).

Submission:

GeneDx
Classification: Uncertain significance. Last evaluated: 2022-03-29. Review status: criteria provided, single submitter. Criteria: GeneDx Variant Classification Process June 2021. Collection method: clinical testing. Allele origin: germline. Affected: yes.
Comment: Not observed at significant frequency in large population cohorts (gnomAD); In silico analysis supports that this missense variant does not alter protein structure/function; Has not been previously published as pathogenic or benign to our knowledge

NM_000245.4(MET):c.3014C>A (p.Ala1005Asp)

Gene: MET (MET proto-oncogene, receptor tyrosine kinase; plus strand). Cytogenetic location: 7q31.2.
Variant type: single nucleotide variant.
Coding change: c.3014C>A on transcript NM_000245.4 (MANE Select); coding-DNA position 3014, C replaced by A.
Protein change: p.Ala1005Asp; replaces alanine 1005 with aspartic acid.
Molecular consequence: missense variant.
Genome position (GRCh38, 1-based): chr7:116,771,975, C>A. VCF-style: chr7-116771975-C-A. GRCh37 (hg19) VCF-style: chr7-116412029-C-A.
Other names: c.3068C>A, p.Ala1023Asp (NM_001127500.3); c.1724C>A, p.Ala575Asp (NM_001324402.2); short protein forms A1005D, A1023D, A575D.
Identifiers: ClinVar variation 1707876 (VCV001707876.2), dbSNP rs777214043, ClinGen allele CA368987469.